The following is an entry in ClinVar:

ClinVar aggregate classification (germline): Uncertain significance (1 of 4 stars; one submission).

Allele frequency attached by ClinVar (database versions not stated): gnomAD exomes below 0.00001; TOPMed below 0.00001; ExAC 0.00001; gnomAD 0.00001.

Submission:

Labcorp Genetics (formerly Invitae), Labcorp
Classification: Uncertain significance. Last evaluated: 2022-07-13. Review status: criteria provided, single submitter. Criteria: Invitae Variant Classification Sherloc (09022015). Collection method: clinical testing. Allele origin: germline.
Comment: In summary, the available evidence is currently insufficient to determine the role of this variant in disease. Therefore, it has been classified as a Variant of Uncertain Significance. Algorithms developed to predict the effect of missense changes on protein structure and function are either unavailable or do not agree on the potential impact of this missense change (SIFT: "Not Available"; PolyPhen-2: "Probably Damaging"; Align-GVGD: "Not Available"). This sequence change replaces arginine, which is basic and polar, with leucine, which is neutral and non-polar, at codon 309 of the USH1G protein (p.Arg309Leu). This variant is present in population databases (rs774444422, gnomAD 0.007%). This variant has not been reported in the literature in individuals affected with USH1G-related conditions.

NM_173477.5(USH1G):c.926G>T (p.Arg309Leu)

Gene: USH1G (USH1 protein network component sans; minus strand). Cytogenetic location: 17q25.1.
Variant type: single nucleotide variant.
Coding change: c.926G>T on transcript NM_173477.5 (MANE Select); coding-DNA position 926, G replaced by T.
Protein change: p.Arg309Leu; replaces arginine 309 with leucine.
Molecular consequence: missense variant.
Genome position (GRCh38, 1-based): chr17:74,919,910, C>A on the plus strand (G>T on the coding strand, the complement: USH1G is on the minus strand). VCF-style: chr17-74919910-C-A. GRCh37 (hg19) VCF-style: chr17-72916005-C-A.
Other names: c.617G>T, p.Arg206Leu (NM_001282489.3); short protein forms R309L, R206L.
Identifiers: ClinVar variation 2016623 (VCV002016623.4), dbSNP rs774444422, ClinGen allele CA8753968.
Genomic context (GRCh38, chr17:74,919,910, plus strand): 5'-AGTCCGTGCAGCCCACTGCTCAAGTAATTTCTGCGGAACACCATGGTGCCCAGGCCGGGG[C>A]GGGTAAACAGGGAGTCGTGGCCTGAGTCGGTGCTGACCTCCGAGTGGGCAGGCTCGGCCG-3'
Protein context (NP_775748.2, residues 299-319): TDSGHDSLFT[Arg309Leu]PGLGTMVFRR